The following is an entry in ClinVar:

NM_003072.5(SMARCA4):c.3081+6C>G

Gene: SMARCA4 (SWI/SNF related BAF chromatin remodeling complex subunit ATPase 4; plus strand). Cytogenetic location: 19p13.2.
Variant type: single nucleotide variant.
Coding change: c.3081+6C>G on transcript NM_003072.5 (MANE Select); 6 bases into the intron after coding-DNA position 3081, C replaced by G.
Molecular consequence: intron variant.
Genome position (GRCh38, 1-based): chr19:11,024,444, C>G. VCF-style: chr19-11024444-C-G. GRCh37 (hg19) VCF-style: chr19-11135120-C-G.
Other names: c.3081+6C>G (NM_001128844.3, NM_001128849.3, NM_001128847.4 and 6 more transcripts).
Identifiers: ClinVar variation 2861974 (VCV002861974.3), dbSNP rs1265734471, ClinGen allele CA2739276477.

ClinVar aggregate classification (germline): Uncertain significance (1 of 4 stars; one submission).

Conditions:
Rhabdoid tumor predisposition syndrome 2 (RTPS2). Identifiers: Orphanet 231108, Orphanet 69077, MedGen C2750074, MONDO:0013224, OMIM 613325.

Submission:

Labcorp Genetics (formerly Invitae), Labcorp
Classification: Uncertain significance for Rhabdoid tumor predisposition syndrome 2. Last evaluated: 2023-05-04. Review status: criteria provided, single submitter. Criteria: Invitae Variant Classification Sherloc (09022015). Collection method: clinical testing. Allele origin: germline.
Comment: In summary, the available evidence is currently insufficient to determine the role of this variant in disease. Therefore, it has been classified as a Variant of Uncertain Significance. Variants that disrupt the consensus splice site are a relatively common cause of aberrant splicing (PMID: 17576681, 9536098). Algorithms developed to predict the effect of sequence changes on RNA splicing suggest that this variant is not likely to affect RNA splicing. This variant has not been reported in the literature in individuals affected with SMARCA4-related conditions. This variant is not present in population databases (gnomAD no frequency). This sequence change falls in intron 21 of the SMARCA4 gene. It does not directly change the encoded amino acid sequence of the SMARCA4 protein. It affects a nucleotide within the consensus splice site.

Literature cited by the submitters: PubMed 17576681; PubMed 9536098.